The following is an entry in ClinVar:

ClinVar aggregate classification (germline): Uncertain significance (1 of 4 stars; one submission).

gnomAD v4.1: 1 of 1,611,060 alleles (0.000062%); highest among the groups gnomAD compares: Middle Eastern, 0.017%; no homozygotes.

Submission:

Labcorp Genetics (formerly Invitae), Labcorp
Classification: Uncertain significance. Last evaluated: 2023-10-18. Review status: criteria provided, single submitter. Criteria: Invitae Variant Classification Sherloc (09022015). Collection method: clinical testing. Allele origin: germline.
Comment: This sequence change creates a premature translational stop signal (p.Lys1269*) in the NLRP1 gene. It is expected to result in an absent or disrupted protein product. However, the current clinical and genetic evidence is not sufficient to establish whether loss-of-function variants in NLRP1 cause disease. This variant is not present in population databases (gnomAD no frequency). This variant has not been reported in the literature in individuals affected with NLRP1-related conditions. Algorithms developed to predict the effect of sequence changes on RNA splicing suggest that this variant may disrupt the consensus splice site. In summary, the available evidence is currently insufficient to determine the role of this variant in disease. Therefore, it has been classified as a Variant of Uncertain Significance.

NM_033004.4(NLRP1):c.3805A>T (p.Lys1269Ter)

Gene: NLRP1 (NLR family pyrin domain containing 1; minus strand). Cytogenetic location: 17p13.2.
Variant type: single nucleotide variant.
Coding change: c.3805A>T on transcript NM_033004.4 (MANE Select); coding-DNA position 3805, A replaced by T.
Protein change: p.Lys1269Ter; replaces lysine 1269 with a stop codon.
Molecular consequence: nonsense. On other transcripts: intron variant (2).
Genome position (GRCh38, 1-based): chr17:5,520,991, T>A on the plus strand (A>T on the coding strand, the complement: NLRP1 is on the minus strand). VCF-style: chr17-5520991-T-A. GRCh37 (hg19) VCF-style: chr17-5424311-T-A.
Other names: c.3817A>T, p.Lys1273Ter (NM_001033053.3); c.3715A>T, p.Lys1239Ter (NM_033006.4); c.3693+533A>T (NM_033007.4); c.3783+533A>T (NM_014922.5); short protein forms K1269*, K1273*, K1239*.
Identifiers: ClinVar variation 2871843 (VCV002871843.3), dbSNP rs1346227688, ClinGen allele CA397388883.